The following is an entry in ClinVar:

NM_014625.4(NPHS2):c.873+1G>T

Genes: AXDND1 (axonemal dynein light chain domain containing 1; plus strand), NPHS2 (NPHS2 stomatin family member, podocin; minus strand). Cytogenetic location: 1q25.2.
Variant type: single nucleotide variant.
Coding change: c.873+1G>T on transcript NM_014625.4 (MANE Select); the canonical splice donor site of the intron after coding-DNA position 873, G replaced by T.
Molecular consequence: splice donor variant. On other transcripts: intron variant (1).
Genome position (GRCh38, 1-based): chr1:179,552,602, C>A on the plus strand (G>T on the coding strand, the complement: NPHS2 is on the minus strand). VCF-style: chr1-179552602-C-A. GRCh37 (hg19) VCF-style: chr1-179521737-C-A.
Other names: c.3032-1910C>A (NM_144696.6); c.669+1G>T (NM_001297575.2).
Identifiers: ClinVar variation 1409729 (VCV001409729.7), dbSNP rs1553312833, ClinGen allele CA343566009.
Genomic context (GRCh38, chr1:179,552,602, plus strand): 5'-AATGTTCTCCACGAGCAGGCCTTCCTAAAGGGCAGTCTGGGTGGGAGGATGGAGTGCTCA[C>A]CCGCACTTTGGCTTGTCTTTGCGCTTCAGCCTCCACAGCCAGTGAGTGCTGAAGCCCAGC-3'

ClinVar aggregate classification (germline): Pathogenic/Likely pathogenic. Review status: criteria provided, multiple submitters, no conflicts (2 of 4 stars). 2 submissions from 2 submitters: Pathogenic (1); Likely pathogenic (1). Last evaluated 2023-08-21.

Conditions:
Nephrotic syndrome, type 2 (NPHS2). Also called: NEPHROTIC SYNDROME, STEROID-RESISTANT, AUTOSOMAL RECESSIVE. Identifiers: Orphanet 656, MedGen C1868672, MONDO:0010974, OMIM 600995.

Submissions (2):

Labcorp Genetics (formerly Invitae), Labcorp
Classification: Pathogenic. Last evaluated: 2023-08-21. Review status: criteria provided, single submitter. Criteria: Invitae Variant Classification Sherloc (09022015). Collection method: clinical testing. Allele origin: germline.
Comment: This variant is not present in population databases (gnomAD no frequency). For these reasons, this variant has been classified as Pathogenic. Variants that disrupt the consensus splice site are a relatively common cause of aberrant splicing (PMID: 17576681, 9536098). Algorithms developed to predict the effect of sequence changes on RNA splicing suggest that this variant may disrupt the consensus splice site. ClinVar contains an entry for this variant (Variation ID: 1409729). Disruption of this splice site has been observed in individuals with nephrotic syndrome (PMID: 14978175, 23645318, 24509478, 26668027). This sequence change affects a donor splice site in intron 7 of the NPHS2 gene. While this variant is not anticipated to result in nonsense mediated decay, it likely alters RNA splicing and results in a disrupted protein product.

Baylor Genetics
Classification: Likely pathogenic for Nephrotic syndrome, type 2. Last evaluated: 2023-04-18. Review status: criteria provided, single submitter. Criteria: ACMG Guidelines, 2015. Collection method: clinical testing. Allele origin: unknown.

Literature cited by the submitters: PubMed 17576681 (cited by Labcorp Genetics (formerly Invitae), Labcorp); PubMed 9536098 (cited by Labcorp Genetics (formerly Invitae), Labcorp); PubMed 14978175 (cited by Labcorp Genetics (formerly Invitae), Labcorp); PubMed 23645318 (cited by Labcorp Genetics (formerly Invitae), Labcorp); PubMed 24509478 (cited by Labcorp Genetics (formerly Invitae), Labcorp); PubMed 26668027 (cited by Labcorp Genetics (formerly Invitae), Labcorp).